The following is an entry in ClinVar:

ClinVar aggregate classification (germline): Uncertain significance (1 of 4 stars; one submission).

gnomAD v4.1: 18 of 1,613,268 alleles (0.0011%); highest among the groups gnomAD compares: Non-Finnish European, 0.0014%; no homozygotes.

Submission:

GeneDx
Classification: Uncertain significance. Last evaluated: 2023-11-07. Review status: criteria provided, single submitter. Criteria: GeneDx Variant Classification Process June 2021. Collection method: clinical testing. Allele origin: germline. Affected: yes.
Comment: Identified in an individual with Fraser syndrome without a second variant in published literature, however detailed clinical and segregation data was not provided (PMID: 18671281); Not observed at significant frequency in large population cohorts (gnomAD); In silico analysis supports that this missense variant has a deleterious effect on protein structure/function; This variant is associated with the following publications: (PMID: 18671281)

NM_025074.7(FRAS1):c.3877C>T (p.His1293Tyr)

Gene: FRAS1 (Fraser extracellular matrix complex subunit 1; plus strand). Cytogenetic location: 4q21.21.
Variant type: single nucleotide variant.
Coding change: c.3877C>T on transcript NM_025074.7 (MANE Select); coding-DNA position 3877, C replaced by T.
Protein change: p.His1293Tyr; replaces histidine 1293 with tyrosine.
Molecular consequence: missense variant.
Genome position (GRCh38, 1-based): chr4:78,387,603, C>T. VCF-style: chr4-78387603-C-T. GRCh37 (hg19) VCF-style: chr4-79308757-C-T.
Other names: c.3877C>T, p.His1293Tyr (NM_001166133.2); short protein forms H1293Y.
Identifiers: ClinVar variation 3340375 (VCV003340375.1).
Genomic context (GRCh38, chr4:78,387,603, plus strand): 5'-GCAACCCCTATCTATCAATTCCAGCTGGATGAACTCTCTAGAGGCCTTCTCCACTATGCT[C>T]ATGATGGTTCAGACAGCACATCCGATGTTGCAGTCTTGCAGGCCAATGATGGACACTCCT-3'
Protein context (NP_079350.5, residues 1283-1303): ELSRGLLHYA[His1293Tyr]DGSDSTSDVA